The following is an entry in ClinVar:

ClinVar aggregate classification (germline): Conflicting classifications of pathogenicity. Review status: criteria provided, conflicting classifications (1 of 4 stars). 8 submissions from 8 submitters: Uncertain significance (4); Likely benign (4). Last evaluated 2025-11-17.

Conditions:
Hereditary cancer-predisposing syndrome. Also called: Neoplastic Syndromes, Hereditary; Hereditary Cancer Syndrome; Tumor predisposition; Hereditary neoplastic syndrome. Identifiers: Orphanet 140162, MedGen C0027672, MeSH D009386, MONDO:0015356.
Familial adenomatous polyposis 2. Also called: MYH-associated polyposis; FAP type 2; MUTYH-associated polyposis; Adenomas, multiple colorectal; MUTYH Polyposis; MUTYH-related attenuated familial adenomatous polyposis. Identifiers: Orphanet 220460, Orphanet 247798, MedGen C3272841, MONDO:0012041, OMIM 608456.

Allele frequency attached by ClinVar (database versions not stated): gnomAD exomes below 0.00001 and 0.00002; ExAC 0.00002; gnomAD 0.00002 and 0.00003; TOPMed 0.00006; 1000 Genomes Project 0.00040; 1000 Genomes Project 30x 0.00047.

Submissions (8):

Labcorp Genetics (formerly Invitae), Labcorp
Classification: Uncertain significance for Familial adenomatous polyposis 2. Last evaluated: 2025-11-17. Review status: criteria provided, single submitter. Criteria: Invitae Variant Classification Sherloc (09022015). Collection method: clinical testing. Allele origin: germline.
Comment: This sequence change replaces asparagine, which is neutral and polar, with serine, which is neutral and polar, at codon 42 of the MUTYH protein (p.Asn42Ser). This variant is present in population databases (rs563275223, gnomAD 0.02%). This missense change has been observed in individual(s) with familial adenomatous polyposis (PMID: 23460355). ClinVar contains an entry for this variant (Variation ID: 142369). An algorithm developed to predict the effect of missense changes on protein structure and function outputs the following: PolyPhen-2: "Benign". The serine amino acid residue is found in multiple mammalian species, which suggests that this missense change does not adversely affect protein function. In summary, the available evidence is currently insufficient to determine the role of this variant in disease. Therefore, it has been classified as a Variant of Uncertain Significance.

Color Diagnostics, LLC DBA Color Health
Classification: Likely benign for Hereditary cancer-predisposing syndrome. Last evaluated: 2024-09-19. Review status: criteria provided, single submitter. Criteria: ACMG Guidelines, 2015. Collection method: clinical testing. Allele origin: germline.

Quest Diagnostics Nichols Institute San Juan Capistrano
Classification: Uncertain significance. Last evaluated: 2024-03-14. Review status: criteria provided, single submitter. Criteria: Quest Diagnostics criteria. Collection method: clinical testing. Allele origin: unknown.
Comment: The MUTYH c.125A>G (p.Asn42Ser) variant has been reported in the published literature in heterozygous individuals with multiple colorectal adenomas (PMID: 23460355 (2013)) and with breast cancer (PMID: 33606809 (2021)). The frequency of this variant in the general population, 0.00025 (4/16256 chromosomes (Genome Aggregation Database)), is uninformative in the assessment of its pathogenicity. Analysis of this variant using bioinformatics tools for the prediction of the effect of amino acid changes on protein structure and function yielded predictions that this variant is benign. Based on the available information, we are unable to determine the clinical significance of this variant.

GeneDx
Classification: Uncertain significance. Last evaluated: 2024-02-20. Review status: criteria provided, single submitter. Criteria: GeneDx Variant Classification Process June 2021. Collection method: clinical testing. Allele origin: germline. Affected: yes.
Comment: In silico analysis supports that this missense variant has a deleterious effect on protein structure/function; Observed in a family reported to have MUTYH Associated Polyposis (PMID: 23460355); This variant is associated with the following publications: (PMID: 23460355)

All of Us Research Program, National Institutes of Health
Classification: Likely benign for Familial adenomatous polyposis 2. Last evaluated: 2024-01-11. Review status: criteria provided, single submitter. Criteria: ACMG Guidelines, 2015. Collection method: clinical testing. Allele origin: germline. Inheritance: Autosomal recessive inheritance. Observed: 3 variant alleles, 3 heterozygotes.
Comment: This study involves interpretation of variants in research participants for the purpose of population health screening. Participant phenotype was not available at the time of variant classification. Additional details can be found in publication PMID: 35346344, PMCID: PMC8962531

Blueprint Genetics
Classification: Likely benign. Last evaluated: 2021-03-24. Review status: criteria provided, single submitter. Criteria: ACMG Guidelines, 2015. Collection method: clinical testing. Allele origin: germline.

Women's Health and Genetics/Laboratory Corporation of America, LabCorp
Classification: Uncertain significance. Last evaluated: 2019-06-17. Review status: criteria provided, single submitter. Criteria: LabCorp Variant Classification Summary - May 2015. Collection method: clinical testing. Allele origin: germline.
Comment: Variant summary: MUTYH c.125A>G (p.Asn42Ser) results in a conservative amino acid change in the encoded protein sequence. Five of five in-silico tools predict a benign effect of the variant on protein function. The variant allele was found at a frequency of 1.6e-05 in 251488 control chromosomes (gnomAD). The available data on variant occurrences in the general population are insufficient to allow any conclusion about variant significance. c.125A>G has been reported in the literature in one individual affected with MUTYH-associated Polyposis (Cruz-Correa_2013). This report does not provide unequivocal conclusions about association of the variant with MUTYH-associated Polyposis. To our knowledge, no experimental evidence demonstrating an impact on protein function has been reported. Two clinical diagnostic laboratories have submitted clinical-significance assessments for this variant to ClinVar after 2014 without evidence for independent evaluation. Both laboratories classified the variant as likely benign. Based on the evidence outlined above, the variant was classified as uncertain significance.

Ambry Genetics
Classification: Likely benign for Hereditary cancer-predisposing syndrome. Last evaluated: 2018-09-05. Review status: criteria provided, single submitter. Criteria: Ambry Variant Classification Scheme 2023. Collection method: clinical testing. Allele origin: germline.

Literature cited by the submitters: PubMed 23460355 (cited by 3 submitters); PubMed 33606809 (cited by Quest Diagnostics Nichols Institute San Juan Capistrano); PubMed 30122538 (cited by Quest Diagnostics Nichols Institute San Juan Capistrano).

NM_001048174.2(MUTYH):c.83A>G (p.Asn28Ser)

Gene: MUTYH (mutY DNA glycosylase; minus strand). Cytogenetic location: 1p34.1.
Variant type: single nucleotide variant.
Coding change: c.83A>G on transcript NM_001048174.2 (MANE Select); coding-DNA position 83, A replaced by G.
Protein change: p.Asn28Ser; replaces asparagine 28 with serine.
Molecular consequence: missense variant. On other transcripts: 5 prime UTR variant (4), non-coding transcript variant (2).
Genome position (GRCh38, 1-based): chr1:45,334,423, T>C on the plus strand (A>G on the coding strand, the complement: MUTYH is on the minus strand). VCF-style: chr1-45334423-T-C. GRCh37 (hg19) VCF-style: chr1-45800095-T-C.
Other names: c.83A>G, p.Asn28Ser (NM_001048171.2, NM_001048172.2, NM_001048173.2 and 2 more transcripts); c.125A>G, p.Asn42Ser (NM_001128425.2, NM_001293190.2, NM_012222.3); c.-130A>G (NM_001293192.2, NM_001293196.2); c.-189A>G (NM_001350650.2); c.-125A>G (NM_001350651.2); short protein forms N42S, N28S.
Identifiers: ClinVar variation 142369 (VCV000142369.22), dbSNP rs563275223, ClinGen allele CA012458.
Genomic context (GRCh38, chr1:45,334,423, plus strand): 5'-AGCCTTGGGCCACAACCTAGTTCCTTACCATCACAGGCAGAAGGCTTGGCCTGACTGTTG[T>C]TCTTAGCATGCTTCTGCCTCCCTTCCTGGCTGGCTGCCTGCTTCCTGTGACCACTTCCCA-3'
Protein context (NP_001041639.1, residues 18-38): SQEGRQKHAK[Asn28Ser]NSQAKPSACD